The following is an entry in ClinVar:

NM_024996.7(GFM1):c.1848C>A (p.His616Gln)

Gene: GFM1 (G elongation factor mitochondrial 1; plus strand). Cytogenetic location: 3q25.32.
Variant type: single nucleotide variant.
Coding change: c.1848C>A on transcript NM_024996.7 (MANE Select); coding-DNA position 1848, C replaced by A.
Protein change: p.His616Gln; replaces histidine 616 with glutamine.
Molecular consequence: missense variant. On other transcripts: non-coding transcript variant (2).
Genome position (GRCh38, 1-based): chr3:158,684,607, C>A. VCF-style: chr3-158684607-C-A. GRCh37 (hg19) VCF-style: chr3-158402396-C-A.
Other names: c.1905C>A, p.His635Gln (NM_001308164.2); c.1767C>A, p.His589Gln (NM_001374355.1); c.1731C>A, p.His577Gln (NM_001374356.1); c.1623C>A, p.His541Gln (NM_001374357.1); c.1389C>A, p.His463Gln (NM_001374358.1); c.1281C>A, p.His427Gln (NM_001374359.1, NM_001374360.1); c.1164C>A, p.His388Gln (NM_001374361.1); short protein forms H388Q, H427Q, H463Q, H541Q, H577Q, H589Q, H616Q, H635Q.
Identifiers: ClinVar variation 3359333 (VCV003359333.1).

ClinVar aggregate classification (germline): Uncertain significance (1 of 4 stars; one submission).

gnomAD v4.1: 7 of 1,613,978 alleles (0.00043%); highest among the groups gnomAD compares: Middle Eastern, 0.082%; no homozygotes.

Submission:

GeneDx
Classification: Uncertain significance. Last evaluated: 2023-06-07. Review status: criteria provided, single submitter. Criteria: GeneDx Variant Classification Process June 2021. Collection method: clinical testing. Allele origin: germline. Affected: yes.
Comment: Not observed at significant frequency in large population cohorts (gnomAD); In silico analysis supports that this missense variant has a deleterious effect on protein structure/function; Has not been previously published as pathogenic or benign to our knowledge